The following is an entry in ClinVar:

ClinVar aggregate classification (germline): Likely benign. Review status: criteria provided, single submitter (1 of 4 stars). 2 submissions from 2 submitters: Likely benign (1). 1 of the submissions does not count toward it. Last evaluated 2022-12-23.

Conditions:
PEX1-related disorder. Also called: PEX1-related condition.
Zellweger spectrum disorders (ZS). Also called: Zellweger syndrome; Zellweger Spectrum Disorder; Zellweger Spectrum; Zellweger Spectrum Disorder (ZSD). Identifiers: Orphanet 912, MedGen C0043459, MONDO:0019609.

gnomAD v4.1: 3 of 1,560,658 alleles (0.00019%); highest among the groups gnomAD compares: Non-Finnish European, 0.00027%; no homozygotes.

Submissions (2):

Labcorp Genetics (formerly Invitae), Labcorp
Classification: Likely benign for Zellweger spectrum disorders. Last evaluated: 2022-12-23. Review status: criteria provided, single submitter. Criteria: Invitae Variant Classification Sherloc (09022015). Collection method: clinical testing. Allele origin: germline.

PreventionGenetics, part of Exact Sciences
Classification: Likely benign for PEX1-related condition. Last evaluated: 2022-01-17. Review status: no assertion criteria provided. Collection method: clinical testing. Allele origin: germline. Not counted in ClinVar's aggregate classification.
Comment: This variant is classified as likely benign based on ACMG/AMP sequence variant interpretation guidelines (Richards et al. 2015 PMID: 25741868, with internal and published modifications).

NM_000466.3(PEX1):c.3438+8G>A

Genes: GATAD1 (GATA zinc finger domain containing 1; plus strand), PEX1 (peroxisomal biogenesis factor 1; minus strand). Cytogenetic location: 7q21.2.
Variant type: single nucleotide variant.
Coding change: c.3438+8G>A on transcript NM_000466.3 (MANE Select); 8 bases into the intron after coding-DNA position 3438, G replaced by A.
Molecular consequence: intron variant.
Genome position (GRCh38, 1-based): chr7:92,491,264, C>T on the plus strand (G>A on the coding strand, the complement: PEX1 is on the minus strand). VCF-style: chr7-92491264-C-T. GRCh37 (hg19) VCF-style: chr7-92120578-C-T.
Other names: c.3438+8G>A (NM_000466.2); c.3267+8G>A (NM_001282677.2); c.2814+8G>A (NM_001282678.2).
Identifiers: ClinVar variation 1533285 (VCV001533285.10), dbSNP rs2116057302, ClinGen allele CA456623631.